The following is an entry in ClinVar:

ClinVar aggregate classification (germline): Uncertain significance (1 of 4 stars; one submission).

Conditions:
Oligodontia-cancer predisposition syndrome. Also called: TOOTH AGENESIS-COLORECTAL CANCER SYNDROME. Identifiers: Orphanet 300576, MedGen C1837750, MONDO:0012075, OMIM 608615. Disease mechanism: loss of function.

Submission:

Labcorp Genetics (formerly Invitae), Labcorp
Classification: Uncertain significance for Oligodontia-cancer predisposition syndrome. Last evaluated: 2023-05-07. Review status: criteria provided, single submitter. Criteria: Invitae Variant Classification Sherloc (09022015). Collection method: clinical testing. Allele origin: germline.
Comment: In summary, the available evidence is currently insufficient to determine the role of this variant in disease. Therefore, it has been classified as a Variant of Uncertain Significance. Advanced modeling of protein sequence and biophysical properties (such as structural, functional, and spatial information, amino acid conservation, physicochemical variation, residue mobility, and thermodynamic stability) performed at Invitae indicates that this missense variant is not expected to disrupt AXIN2 protein function. This variant has not been reported in the literature in individuals affected with AXIN2-related conditions. This variant is not present in population databases (gnomAD no frequency). This sequence change replaces glutamine, which is neutral and polar, with glutamic acid, which is acidic and polar, at codon 346 of the AXIN2 protein (p.Gln346Glu).

NM_004655.4(AXIN2):c.1036C>G (p.Gln346Glu)

Gene: AXIN2 (axin 2; minus strand). Cytogenetic location: 17q24.1.
Variant type: single nucleotide variant.
Coding change: c.1036C>G on transcript NM_004655.4 (MANE Select); coding-DNA position 1036, C replaced by G.
Protein change: p.Gln346Glu; replaces glutamine 346 with glutamic acid.
Molecular consequence: missense variant.
Genome position (GRCh38, 1-based): chr17:65,541,478, G>C on the plus strand (C>G on the coding strand, the complement: AXIN2 is on the minus strand). VCF-style: chr17-65541478-G-C. GRCh37 (hg19) VCF-style: chr17-63537596-G-C.
Other names: c.1036C>G, p.Gln346Glu (NM_001363813.1); short protein forms Q346E.
Identifiers: ClinVar variation 2794904 (VCV002794904.3), dbSNP rs1598104209, ClinGen allele CA400679152.